The following is an entry in ClinVar:

NM_001943.5(DSG2):c.2366A>C (p.Asn789Thr)

Genes: DSG2-AS1 (DSG2 antisense RNA 1; minus strand), DSG2 (desmoglein 2; plus strand). Cytogenetic location: 18q12.1.
Variant type: single nucleotide variant.
Coding change: c.2366A>C on transcript NM_001943.5 (MANE Select); coding-DNA position 2366, A replaced by C.
Protein change: p.Asn789Thr; replaces asparagine 789 with threonine.
Molecular consequence: missense variant. On other transcripts: non-coding transcript variant (1).
Genome position (GRCh38, 1-based): chr18:31,545,752, A>C. VCF-style: chr18-31545752-A-C. GRCh37 (hg19) VCF-style: chr18-29125715-A-C.
Other names: short protein forms N789T.
Identifiers: ClinVar variation 1036125 (VCV001036125.8), dbSNP rs2073300346, ClinGen allele CA402144427.
Genomic context (GRCh38, chr18:31,545,752, plus strand): 5'-GTGTTTGTTTTGTTTTGTTTTCATTTTAGAAAGCGGCCTCTTACACTGAGGAAGATGAAA[A>C]TCACACAGCCAAAGATTGCCTTCTGGTTTATTCTCAGGAAGAAACTGAATCGCTGAATGC-3'
Protein context (NP_001934.2, residues 779-799): KAASYTEEDE[Asn789Thr]HTAKDCLLVY

ClinVar aggregate classification (germline): Uncertain significance (1 of 4 stars; one submission).

Conditions:
Arrhythmogenic right ventricular dysplasia 10. Also called: Arrhythmogenic Right Ventricular Dysplasia/Cardiomyopathy10; ARRHYTHMOGENIC RIGHT VENTRICULAR DYSPLASIA, FAMILIAL, 10; Arrhythmogenic right ventricular dysplasia/cardiomyopathy, type 10. Identifiers: MedGen C1857777, MONDO:0012434, OMIM 610193.

Submission:

Labcorp Genetics (formerly Invitae), Labcorp
Classification: Uncertain significance for Arrhythmogenic right ventricular dysplasia 10. Last evaluated: 2020-10-07. Review status: criteria provided, single submitter. Criteria: Invitae Variant Classification Sherloc (09022015). Collection method: clinical testing. Allele origin: germline.
Comment: In summary, the available evidence is currently insufficient to determine the role of this variant in disease. Therefore, it has been classified as a Variant of Uncertain Significance. Algorithms developed to predict the effect of missense changes on protein structure and function (SIFT, PolyPhen-2, Align-GVGD) all suggest that this variant is likely to be tolerated, but these predictions have not been confirmed by published functional studies and their clinical significance is uncertain. This variant has not been reported in the literature in individuals with DSG2-related conditions. This variant is not present in population databases (ExAC no frequency). This sequence change replaces asparagine with threonine at codon 789 of the DSG2 protein (p.Asn789Thr). The asparagine residue is weakly conserved and there is a small physicochemical difference between asparagine and threonine.